The following is an entry in ClinVar:

NM_006514.4(SCN10A):c.1761C>T (p.Phe587=)

Gene: SCN10A (sodium voltage-gated channel alpha subunit 10; minus strand). Cytogenetic location: 3p22.2.
Variant type: single nucleotide variant.
Coding change: c.1761C>T on transcript NM_006514.4 (MANE Select); coding-DNA position 1761, C replaced by T.
Protein change: p.Phe587=; no amino-acid change (phenylalanine 587 retained).
Molecular consequence: synonymous variant.
Genome position (GRCh38, 1-based): chr3:38,750,179, G>A on the plus strand (C>T on the coding strand, the complement: SCN10A is on the minus strand). VCF-style: chr3-38750179-G-A. GRCh37 (hg19) VCF-style: chr3-38791670-G-A.
Other names: p.Phe587=; c.1761C>T, p.Phe587= (NM_001293306.2); c.1467C>T, p.Phe489= (NM_001293307.2).
Identifiers: ClinVar variation 700257 (VCV000700257.11), dbSNP rs199645904, ClinGen allele CA2320752.

ClinVar aggregate classification (germline): Likely benign. Review status: criteria provided, multiple submitters, no conflicts (2 of 4 stars). 3 submissions from 3 submitters: Likely benign (3). Last evaluated 2025-09-30.

Conditions:
Cardiovascular phenotype. Identifiers: MedGen CN230736.
Brugada syndrome. Also called: Sudden Unexplained Death Syndrome; Sudden Unexplained Nocturnal Death Syndrome (SUNDS); Sudden unexpected nocturnal death syndrome; Sudden unexplained nocturnal death syndrome. Identifiers: Orphanet 130, MedGen C1142166, MONDO:0015263.

Allele frequency attached by ClinVar (database versions not stated): gnomAD 0.00003; gnomAD exomes 0.00004 and 0.00007; TOPMed 0.00004; ExAC 0.00005; ESP Exome Variant Server 0.00008; 1000 Genomes Project 30x 0.00016; 1000 Genomes Project 0.00020.
gnomAD v4.1: 107 of 1,602,588 alleles (0.0067%); highest among the groups gnomAD compares: Non-Finnish European, 0.0085%; no homozygotes.

Submissions (3):

Mayo Clinic Laboratories, Mayo Clinic
Classification: Likely benign. Last evaluated: 2025-09-30. Review status: criteria provided, single submitter. Criteria: ACMG Guidelines, 2015. Collection method: clinical testing. Allele origin: germline. Observed: 1 variant allele.
Comment: BP4, BP7

Labcorp Genetics (formerly Invitae), Labcorp
Classification: Likely benign for Brugada syndrome. Last evaluated: 2025-07-08. Review status: criteria provided, single submitter. Criteria: Invitae Variant Classification Sherloc (09022015). Collection method: clinical testing. Allele origin: germline.

Ambry Genetics
Classification: Likely benign for Cardiovascular phenotype. Last evaluated: 2019-08-19. Review status: criteria provided, single submitter. Criteria: Ambry Variant Classification Scheme 2023. Collection method: clinical testing. Allele origin: germline.